The following is an entry in ClinVar:

NM_001165963.4(SCN1A):c.1363C>T (p.Gln455Ter)

Gene: SCN1A (sodium voltage-gated channel alpha subunit 1; minus strand). Cytogenetic location: 2q24.3.
Variant type: single nucleotide variant.
Coding change: c.1363C>T on transcript NM_001165963.4 (MANE Select); coding-DNA position 1363, C replaced by T.
Protein change: p.Gln455Ter; replaces glutamine 455 with a stop codon.
Molecular consequence: nonsense. On other transcripts: 5 prime UTR variant (1), non-coding transcript variant (1).
Genome position (GRCh38, 1-based): chr2:166,046,784, G>A on the plus strand (C>T on the coding strand, the complement: SCN1A is on the minus strand). VCF-style: chr2-166046784-G-A. GRCh37 (hg19) VCF-style: chr2-166903294-G-A.
Other names: c.1363C>T, p.Gln455Ter (NM_001165964.3, NM_001202435.3, NM_001353948.2 and 10 more transcripts); c.-1063C>T (NM_001353961.2); short protein forms Q455*.
Identifiers: ClinVar variation 424145 (VCV000424145.3), dbSNP rs1064796824, ClinGen allele CA16617310.
Genomic context (GRCh38, chr2:166,046,784, plus strand): 5'-AATCAGAACGATAAAAGGTCAGTGCCATGAGACAGGGCAGCTTTACCTGAGCTGCCTCCT[G>A]TTGCTTTTTAAGCTGTTCAATCATCTGCTGAAATTCGGCCTCTTTCTGTTCTGCTTCTTC-3'

ClinVar aggregate classification (germline): Likely pathogenic (1 of 4 stars; one submission).

Submission:

GeneDx
Classification: Likely pathogenic. Last evaluated: 2021-07-23. Review status: criteria provided, single submitter. Criteria: GeneDx Variant Classification Process June 2021. Collection method: clinical testing. Allele origin: germline. Affected: yes.
Comment: Nonsense variant predicted to result in protein truncation or nonsense-mediated decay in a gene for which loss-of-function is a known mechanism of disease S; Not observed at significant frequency in large population cohorts (Lek et al., 2016)